The following continues an entry in ClinVar:

NM_194248.3(OTOF):c.5098G>C (p.Glu1700Gln)

ClinVar aggregate classification (germline): Pathogenic. Pathogenic (1).

Submissions 7 to 14 of 14:

Labcorp Genetics (formerly Invitae), Labcorp
Classification: Uncertain significance. Last evaluated: 2022-07-12. Review status: criteria provided, single submitter. Criteria: Invitae Variant Classification Sherloc (09022015). Collection method: clinical testing. Allele origin: germline. Not counted in ClinVar's aggregate classification.
Comment: This sequence change replaces glutamic acid, which is acidic and polar, with glutamine, which is neutral and polar, at codon 1700 of the OTOF protein (p.Glu1700Gln). This variant is present in population databases (rs199766465, gnomAD 0.7%), including at least one homozygous and/or hemizygous individual. This missense change has been observed in individuals with OTOF-related conditions (PMID: 20224275, 25326637, 31827501). It has also been observed to segregate with disease in related individuals. ClinVar contains an entry for this variant (Variation ID: 48253). Advanced modeling of protein sequence and biophysical properties (such as structural, functional, and spatial information, amino acid conservation, physicochemical variation, residue mobility, and thermodynamic stability) performed at Invitae indicates that this missense variant is expected to disrupt OTOF protein function. In summary, the available evidence is currently insufficient to determine the role of this variant in disease. Therefore, it has been classified as a Variant of Uncertain Significance.

Nanfang Hospital, Southern Medical University
Classification: Pathogenic for Autosomal recessive nonsyndromic hearing loss 9. Last evaluated: 2021-08-16. Review status: criteria provided, single submitter. Criteria: Expert specification of the ACMG/AMP variant interpretation guidelines for genetic hearing loss. Collection method: research. Allele origin: maternal. Inheritance: Autosomal dominant inheritance. Affected: yes. Observed: 5 variant alleles, 1 heterozygote, 4 compound heterozygotes. Clinical features observed: Autosomal recessive inheritance (HP:0000007), Sensorineural hearing loss disorder (HP:0000407), Absence of acoustic reflex (HP:0008529), Absent brainstem auditory responses (HP:0004463), Temperature-sensitive auditory neuropathy. Not counted in ClinVar's aggregate classification.
Comment: The c.5098G>C (p.Glu1700Gln) variant was observed with the other variant, c.4882C>A (p.Pro1628Thr), in compound heterozygosity in a Chinese family with temperature-sensitive auditory neuropathy, segregated with the disease in 4 patients in the present study, and was absent in 200 normal-hearing controls matched for Chinese ethnicity. It has also been reported in several other patients (Chiu et al., 2010; Chen et al., 2018; Qiu et al., 2019; Wu et al., 2019). Additionally, in vitro bioinformatics analysis indicate that the c.5098G>C (p.Glu1700Gln) variant perturbs an amino acid side chain and has lost the hydrogen bonds between p.Glu1700 and p.Leu1704. In summary, the c.5098G>C (p.Glu1700Gln) variant meets our criteria to be classified as pathogenic based upon segregation studies, absence from controls, and functional prediction.

Illumina Laboratory Services, Illumina
Classification: Pathogenic for Autosomal recessive nonsyndromic hearing loss 9. Last evaluated: 2018-11-05. Review status: criteria provided, single submitter. Criteria: ICSL Variant Classification Criteria 09 May 2019. Collection method: clinical testing. Allele origin: germline. Not counted in ClinVar's aggregate classification.
Comment: Across a selection of availabe literature, the OTOF c.5098G>C (p.Glu1700Gln) variant has been reported in at least three studies and is found in at least 21 probands including at least eight in a homozygous state, eight in a compound heterozygous state, and three in a heterozygous state (Chiu et al. 2010; Wu et al. 2011; Wu et al. 2018). The p.Glu1700Gln variant is described as founder variant that has been seen in up to 20% of Taiwanese auditory neuropathy/auditory dys-synchrony probands (Jin et al. 2014). The p.Glu1700Gln variant was absent from 100 ethnically-matched control individuals and is reported at a frequency of 0.007430 in the East Asian population of the Exome Aggregation Consortium. Based on the evidence, the p.Glu1700Gln variant is classified as pathogenic for autosomal recessive nonsyndromic hearing loss. This variant was observed by ICSL as part of a predisposition screen in an ostensibly healthy population.

Baylor Genetics
Classification: Likely pathogenic for Autosomal recessive nonsyndromic hearing loss 9. Review status: criteria provided, single submitter. Criteria: ACMG Guidelines, 2015. Collection method: clinical testing. Allele origin: unknown. Not counted in ClinVar's aggregate classification.

Juno Genomics, Hangzhou Juno Genomics, Inc
Classification: Pathogenic for Autosomal recessive nonsyndromic hearing loss 9. Review status: criteria provided, single submitter. Criteria: ACMG Guidelines, 2015. Collection method: clinical testing. Allele origin: germline. Affected: yes. Not counted in ClinVar's aggregate classification.
Comment: Multiple lines of computational evidence support a deleterious effect on the gene or gene product (conservation, evolutionary, splicing impact, etc).;For recessive disorders, detected in trans with a pathogenic variant.;Patient's phenotype or family history is highly specific for a disease with a single genetic etiology.;Co-segregation with disease in multiple affected family members in a gene definitively known to cause the disease.

Diagnosis and Treatment Center of Genetic Hearing Loss, Eye & ENT Hospital of Fudan University
Classification: Likely benign for Autosomal recessive nonsyndromic hearing loss 9. Last evaluated: 2026-02-04. Review status: no assertion criteria provided. Collection method: clinical testing, in vivo. Allele origin: germline, not applicable. Inheritance: Autosomal recessive inheritance. Affected: yes. Clinical features observed: hearing loss. Functional consequence: Overall normal function. Not counted in ClinVar's aggregate classification.
Comment: The c.5098G>C (p.Glu1700Gln) variant in OTOF was reclassified as Likely Benign based on BS1 (maximum population frequency 0.0069 in gnomAD) and BS3_Supporting (E1700Q homozygous mice and E1700Q/Q828X compound heterozygous mice have normal hearing from our study). In our laboratory, four homozygous E1700Q individuals have normal hearing. All 20 auditory neuropathy patients carrying E1700Q in our cohort also harbor the K1992R variant in cis. We found that the K1992R variant disrupts otoferlin intracellular distribution and localization, and we classify K1992R as likely pathogenic. Thus, c.5098G>C is considered Likely Benign.

Department of Otolaryngology, Head and Neck Surgery, Beijing Friendship Hospital, Capital Medical University
Classification: Pathogenic for Auditory neuropathy spectrum disorder. Last evaluated: 2020-06-11. Review status: no assertion criteria provided. Collection method: clinical testing. Allele origin: inherited. Inheritance: Autosomal recessive inheritance. Affected: yes. Not counted in ClinVar's aggregate classification.

GeneReviews
No classification provided. Condition: Autosomal recessive nonsyndromic hearing loss 9. Review status: no classification provided. Collection method: literature only. Allele origin: unknown. Not counted in ClinVar's aggregate classification.

Literature cited by the submitters: PubMed 25326637 (cited by 3 submitters); PubMed 30368385 (cited by Women's Health and Genetics/Laboratory Corporation of America, LabCorp and Laboratory for Molecular Medicine, Mass General Brigham Personalized Medicine); PubMed 20224275 (cited by 5 submitters); PubMed 31827501 (cited by 3 submitters); PubMed 35106950 (cited by Women's Health and Genetics/Laboratory Corporation of America, LabCorp and Laboratory for Molecular Medicine, Mass General Brigham Personalized Medicine); PubMed 38456936 (cited by Women's Health and Genetics/Laboratory Corporation of America, LabCorp); PubMed 40346465 (cited by Women's Health and Genetics/Laboratory Corporation of America, LabCorp); PubMed 28766844 (cited by Laboratory for Molecular Medicine, Mass General Brigham Personalized Medicine and Illumina Laboratory Services, Illumina); PubMed 34692690 (cited by Laboratory for Molecular Medicine, Mass General Brigham Personalized Medicine); PubMed 34416374 (cited by Laboratory for Molecular Medicine, Mass General Brigham Personalized Medicine); DOI 10.3389/fcell.2021.732930 (cited by Nanfang Hospital, Southern Medical University); DOI 10.1159/000293992 (cited by Nanfang Hospital, Southern Medical University); DOI 10.1016/j.ijporl.2018.09.008 (cited by Nanfang Hospital, Southern Medical University); DOI 10.1155/2019/9765276 (cited by Nanfang Hospital, Southern Medical University); DOI 10.3390/genes10100772 (cited by Nanfang Hospital, Southern Medical University); PubMed 24814232 (cited by Illumina Laboratory Services, Illumina); PubMed 21557232 (cited by Illumina Laboratory Services, Illumina); PubMed 20301429 (cited by GeneReviews); NCBI Bookshelf NBK1251 (cited by GeneReviews).